The following is an entry in ClinVar:

NM_000094.4(COL7A1):c.6727del (p.Ser2243fs)

Gene: COL7A1 (collagen type VII alpha 1 chain; minus strand). Cytogenetic location: 3p21.31.
Variant type: Deletion.
Coding change: c.6727del on transcript NM_000094.4 (MANE Select); coding-DNA position 6727, one base deleted (T; older notation c.6727delT).
Protein change: p.Ser2243fs; shifts the reading frame from serine 2243.
Molecular consequence: frameshift variant.
Genome position (GRCh38, 1-based): chr3:48,573,044, A deleted on the plus strand (T on the coding strand, the reverse complement: COL7A1 is on the minus strand). VCF-style (leftmost placement, unchanged base first): chr3-48573043-GA-G. GRCh37 (hg19) VCF-style: chr3-48610476-GA-G.
Other names: short protein forms S2243fs.
Identifiers: ClinVar variation 2118010 (VCV002118010.4), dbSNP rs2530915229, ClinGen allele CA2580069938.
Genomic context (GRCh38, chr3:48,573,043, plus strand): 5'-TGACCCCTGGAGCCCAACCCTTGACCCCCAGAACTCACCACTTGTCCAGGCAAACCTGGA[GA>G]CCCCTGTGGACCCTGACGGAGAACAAGTCGGATGTCAGGGTGACAATGGACACAGGACGA-3'

ClinVar aggregate classification (germline): Pathogenic (1 of 4 stars; one submission).

Submission:

Labcorp Genetics (formerly Invitae), Labcorp
Classification: Pathogenic. Last evaluated: 2022-03-27. Review status: criteria provided, single submitter. Criteria: Invitae Variant Classification Sherloc (09022015). Collection method: clinical testing. Allele origin: germline.
Comment: For these reasons, this variant has been classified as Pathogenic. This variant has not been reported in the literature in individuals affected with COL7A1-related conditions. This variant is not present in population databases (gnomAD no frequency). This sequence change creates a premature translational stop signal (p.Ser2243Leufs*145) in the COL7A1 gene. It is expected to result in an absent or disrupted protein product. Loss-of-function variants in COL7A1 are known to be pathogenic (PMID: 16971478).

Literature cited by the submitters: PubMed 16971478.